The following is an entry in ClinVar:

NM_001330700.2(TOP2B):c.1905A>G (p.Lys635=)

Gene: TOP2B (DNA topoisomerase II beta; minus strand). Cytogenetic location: 3p24.2.
Variant type: single nucleotide variant.
Coding change: c.1905A>G on transcript NM_001330700.2 (MANE Select); coding-DNA position 1905, A replaced by G.
Protein change: p.Lys635=; no amino-acid change (lysine 635 retained).
Molecular consequence: synonymous variant.
Genome position (GRCh38, 1-based): chr3:25,628,848, T>C on the plus strand (A>G on the coding strand, the complement: TOP2B is on the minus strand). VCF-style: chr3-25628848-T-C. GRCh37 (hg19) VCF-style: chr3-25670339-T-C.
Other names: c.1890A>G, p.Lys630= (NM_001068.3).
Identifiers: ClinVar variation 4752552 (VCV004752552.1).
Genomic context (GRCh38, chr3:25,628,848, plus strand): 5'-GCTTTCATAAGAATACATTTATATCAGTATTTAAAATCTAAGTATTTTAAAATACAAACC[T>C]TTATAGTACTTTATTTTCCAGGCTTTCTGGTTTTCTATATGTTTTTTCCATTCGTCAAAT-3'
Protein context (NP_001317629.1, residues 625-645): NQKAWKIKYY[Lys635=]GLGTSTAKEA

ClinVar aggregate classification (germline): Uncertain significance (1 of 4 stars; one submission).

gnomAD v4.1: 35 of 1,514,404 alleles (0.0023%); highest among the groups gnomAD compares: Admixed American, 0.0081%; no homozygotes.

Submission:

Labcorp Genetics (formerly Invitae), Labcorp
Classification: Uncertain significance. Last evaluated: 2025-11-18. Review status: criteria provided, single submitter. Criteria: Invitae Variant Classification Sherloc (09022015). Collection method: clinical testing. Allele origin: germline.
Comment: This sequence change affects codon 630 of the TOP2B mRNA. It is a 'silent' change, meaning that it does not change the encoded amino acid sequence of the TOP2B protein. It affects a nucleotide within the consensus splice site. This variant is present in population databases (no rsID available, gnomAD 0.004%). This variant has not been reported in the literature in individuals affected with TOP2B-related conditions. Algorithms developed to predict the effect of sequence changes on RNA splicing suggest that this variant is not likely to affect RNA splicing. In summary, the available evidence is currently insufficient to determine the role of this variant in disease. Therefore, it has been classified as a Variant of Uncertain Significance.